The following is an entry in ClinVar:

ClinVar aggregate classification (germline): Likely benign. Review status: criteria provided, multiple submitters, no conflicts (2 of 4 stars). 2 submissions from 2 submitters: Likely benign (2). Last evaluated 2026-07-01.

Allele frequency attached by ClinVar (database versions not stated): TOPMed 0.00070; gnomAD exomes 0.00097 and 0.00252; 1000 Genomes Project 30x 0.00187; ExAC 0.00208; gnomAD 0.00231 and 0.00234; 1000 Genomes Project 0.00240.
gnomAD v4.1: 1,764 of 1,614,094 alleles (0.11%); highest among the groups gnomAD compares: East Asian, 0.5%; 22 homozygotes.

Submissions (2):

CeGaT Center for Human Genetics Tuebingen
Classification: Likely benign. Last evaluated: 2026-07-01. Review status: criteria provided, single submitter. Criteria: CeGaT Center For Human Genetics Tuebingen Variant Classification Criteria Version 2. Collection method: clinical testing. Allele origin: germline. Affected: yes. Observed: 3 variant alleles.
Comment: FLT4: BS1

ARUP Laboratories, Molecular Genetics and Genomics, ARUP Laboratories
Classification: Likely benign. Last evaluated: 2021-04-22. Review status: criteria provided, single submitter. Criteria: ARUP Molecular Germline Variant Investigation Process 2021. Collection method: clinical testing. Allele origin: germline.

NM_182925.5(FLT4):c.4006G>A (p.Glu1336Lys)

Gene: FLT4 (fms related receptor tyrosine kinase 4; minus strand). Cytogenetic location: 5q35.3.
Variant type: single nucleotide variant.
Coding change: c.4006G>A on transcript NM_182925.5 (MANE Select); coding-DNA position 4006, G replaced by A.
Protein change: p.Glu1336Lys; replaces glutamic acid 1336 with lysine.
Molecular consequence: missense variant.
Genome position (GRCh38, 1-based): chr5:180,603,278, C>T on the plus strand (G>A on the coding strand, the complement: FLT4 is on the minus strand). VCF-style: chr5-180603278-C-T. GRCh37 (hg19) VCF-style: chr5-180030278-C-T.
Other names: short protein forms E1336K.
Identifiers: ClinVar variation 1330670 (VCV001330670.35), dbSNP rs201796032, ClinGen allele CA3605598.
Genomic context (GRCh38, chr5:180,603,278, plus strand): 5'-TCACGCGGGCAGACGGGGAGCAGTGGTCCTCCTCGCTTGGCTCCGACAGCTCCCCATACT[C>T]GCTGTTGTAAAACACCTGGCCTCCTCGGGCCCCCCGCTCAGGCCGCCGCCGCCTCCCTTG-3'
Protein context (NP_891555.2, residues 1326-1346): ARGGQVFYNS[Glu1336Lys]YGELSEPSEE